The following is an entry in ClinVar:

ClinVar aggregate classification (germline): Uncertain significance (1 of 4 stars; one submission).

Conditions:
Blau syndrome (BLAUS). Also called: ARTHROCUTANEOUVEAL GRANULOMATOSIS; GRANULOMATOSIS, FAMILIAL JUVENILE SYSTEMIC; GRANULOMATOSIS, FAMILIAL, BLAU TYPE; GRANULOMATOUS INFLAMMATORY ARTHRITIS, DERMATITIS, AND UVEITIS, FAMILIAL; JABS SYNDROME. Identifiers: Orphanet 90340, MedGen C5201146, MONDO:0008523, OMIM 186580.
Regional enteritis. Also called: Enteritis, Granulomatous. Identifiers: MedGen C0678202, MeSH D003424.

gnomAD v4.1: 2 of 1,613,642 alleles (0.00012%); no homozygotes.

Submission:

Labcorp Genetics (formerly Invitae), Labcorp
Classification: Uncertain significance for Regional enteritis; Blau syndrome. Last evaluated: 2022-09-12. Review status: criteria provided, single submitter. Criteria: Invitae Variant Classification Sherloc (09022015). Collection method: clinical testing. Allele origin: germline.
Comment: In summary, the available evidence is currently insufficient to determine the role of this variant in disease. Therefore, it has been classified as a Variant of Uncertain Significance. Advanced modeling of protein sequence and biophysical properties (such as structural, functional, and spatial information, amino acid conservation, physicochemical variation, residue mobility, and thermodynamic stability) performed at Invitae indicates that this missense variant is not expected to disrupt NOD2 protein function. ClinVar contains an entry for this variant (Variation ID: 576942). This variant has not been reported in the literature in individuals affected with NOD2-related conditions. This variant is not present in population databases (gnomAD no frequency). This sequence change replaces arginine, which is basic and polar, with serine, which is neutral and polar, at codon 468 of the NOD2 protein (p.Arg468Ser).

NM_001370466.1(NOD2):c.1321C>A (p.Arg441Ser)

Gene: NOD2 (nucleotide binding oligomerization domain containing 2; plus strand). Cytogenetic location: 16q12.1.
Variant type: single nucleotide variant.
Coding change: c.1321C>A on transcript NM_001370466.1 (MANE Select); coding-DNA position 1321, C replaced by A.
Protein change: p.Arg441Ser; replaces arginine 441 with serine.
Molecular consequence: missense variant. On other transcripts: non-coding transcript variant (1).
Genome position (GRCh38, 1-based): chr16:50,711,313, C>A. VCF-style: chr16-50711313-C-A. GRCh37 (hg19) VCF-style: chr16-50745224-C-A.
Other names: c.1321C>A, p.Arg441Ser (NM_001293557.2); c.1402C>A, p.Arg468Ser (NM_022162.3); short protein forms R468S, R441S.
Identifiers: ClinVar variation 576942 (VCV000576942.9), dbSNP rs769988393, ClinGen allele CA281262646.